The following is an entry in ClinVar:

ClinVar aggregate classification (germline): Pathogenic (1 of 4 stars; one submission).

Conditions:
Perlman syndrome (PRLMNS). Identifiers: Orphanet 2849, MedGen C0796113, MONDO:0009965, OMIM 267000.

Submission:

Labcorp Genetics (formerly Invitae), Labcorp
Classification: Pathogenic for Perlman syndrome. Last evaluated: 2020-09-20. Review status: criteria provided, single submitter. Criteria: Invitae Variant Classification Sherloc (09022015). Collection method: clinical testing. Allele origin: germline.
Comment: This sequence change creates a premature translational stop signal (p.Gln627Trpfs*17) in the DIS3L2 gene. It is expected to result in an absent or disrupted protein product. For these reasons, this variant has been classified as Pathogenic. Loss-of-function variants in DIS3L2 are known to be pathogenic (PMID: 22306653, 28328139). This variant has not been reported in the literature in individuals with DIS3L2-related conditions. This variant is not present in population databases (ExAC no frequency).

Literature cited by the submitters: PubMed 22306653; PubMed 28328139.

NM_152383.5(DIS3L2):c.1879_1882del (p.Gln627fs)

Gene: DIS3L2 (DIS3 like 3'-5' exoribonuclease 2; plus strand). Cytogenetic location: 2q37.1.
Variant type: Deletion.
Coding change: c.1879_1882del on transcript NM_152383.5 (MANE Select); coding-DNA positions 1879 to 1882, 4 bases deleted (CAGA; older notation c.1879_1882delCAGA).
Protein change: p.Gln627fs; shifts the reading frame from glutamine 627.
Molecular consequence: frameshift variant. On other transcripts: non-coding transcript variant (2), intron variant (1).
Genome position (GRCh38, 1-based): chr2:232,329,952-232,329,955, CAGA deleted. VCF-style (leftmost placement, unchanged base first): chr2-232329951-CCAGA-C. GRCh37 (hg19) VCF-style: chr2-233194661-CCAGA-C.
Other names: c.1582-13393_1582-13390del (NM_001257281.2); short protein forms Q627fs.
Identifiers: ClinVar variation 1069819 (VCV001069819.7), dbSNP rs2106348160, ClinGen allele CA2499215789.